The following is an entry in ClinVar:

ClinVar aggregate classification (germline): Likely benign (0 of 4 stars; one submission).

Conditions:
ARHGAP32-related disorder. Also called: ARHGAP32-related condition.

Allele frequency attached by ClinVar (database versions not stated): gnomAD 0.00006; TOPMed 0.00006; ExAC 0.00007; gnomAD exomes 0.00007; 1000 Genomes Project 0.00020; 1000 Genomes Project 30x 0.00031.
gnomAD v4.1: 103 of 1,614,136 alleles (0.0064%); highest among the groups gnomAD compares: East Asian, 0.025%; 1 homozygote.

Submission:

PreventionGenetics, part of Exact Sciences
Classification: Likely benign for ARHGAP32-related condition. Last evaluated: 2019-07-10. Review status: no assertion criteria provided. Collection method: clinical testing. Allele origin: germline.
Comment: This variant is classified as likely benign based on ACMG/AMP sequence variant interpretation guidelines (Richards et al. 2015 PMID: 25741868, with internal and published modifications).

NM_001378024.1(ARHGAP32):c.4812G>A (p.Pro1604=)

Gene: ARHGAP32 (Rho GTPase activating protein 32; minus strand). Cytogenetic location: 11q24.3.
Variant type: single nucleotide variant.
Coding change: c.4812G>A on transcript NM_001378024.1 (MANE Select); coding-DNA position 4812, G replaced by A.
Protein change: p.Pro1604=; no amino-acid change (proline 1604 retained).
Molecular consequence: synonymous variant.
Genome position (GRCh38, 1-based): chr11:128,970,401, C>T on the plus strand (G>A on the coding strand, the complement: ARHGAP32 is on the minus strand). VCF-style: chr11-128970401-C-T. GRCh37 (hg19) VCF-style: chr11-128840296-C-T.
Other names: c.4770G>A, p.Pro1590= (NM_001142685.2); c.4650G>A, p.Pro1550= (NM_001378025.1); c.3723G>A, p.Pro1241= (NM_014715.4).
Identifiers: ClinVar variation 3050666 (VCV003050666.2), dbSNP rs567546669, ClinGen allele CA6358498.